The following is an entry in ClinVar:

ClinVar aggregate classification (germline): Uncertain significance (1 of 4 stars; one submission).

Conditions:
Inborn genetic diseases. Identifiers: MedGen C0950123, MeSH D030342.

Submission:

Ambry Genetics
Classification: Uncertain significance for Inborn genetic diseases. Last evaluated: 2025-03-03. Review status: criteria provided, single submitter. Criteria: Ambry Variant Classification Scheme 2023. Collection method: clinical testing. Allele origin: germline.
Comment: The p.Y67C variant (also known as c.200A>G), located in coding exon 1 of the CEBPA gene, results from an A to G substitution at nucleotide position 200. The tyrosine at codon 67 is replaced by cysteine, an amino acid with highly dissimilar properties. This amino acid position is highly conserved in available vertebrate species. In addition, the in silico prediction for this alteration is inconclusive. Based on the available evidence, the clinical significance of this variant remains unclear.

NM_004364.5(CEBPA):c.200A>G (p.Tyr67Cys)

Gene: CEBPA (CCAAT enhancer binding protein alpha; minus strand). Cytogenetic location: 19q13.11.
Variant type: single nucleotide variant.
Coding change: c.200A>G on transcript NM_004364.5 (MANE Select); coding-DNA position 200, A replaced by G.
Protein change: p.Tyr67Cys; replaces tyrosine 67 with cysteine.
Molecular consequence: missense variant. On other transcripts: 5 prime UTR variant (1).
Genome position (GRCh38, 1-based): chr19:33,302,215, T>C on the plus strand (A>G on the coding strand, the complement: CEBPA is on the minus strand). VCF-style: chr19-33302215-T-C. GRCh37 (hg19) VCF-style: chr19-33793121-T-C.
Other names: c.-158A>G (NM_001285829.2); c.305A>G, p.Tyr102Cys (NM_001287424.2); c.158A>G, p.Tyr53Cys (NM_001287435.2); short protein forms Y53C, Y67C, Y102C.
Identifiers: ClinVar variation 3831225 (VCV003831225.1).
Genomic context (GRCh38, chr19:33,302,215, plus strand): 5'-TGCCGGCTGTGCTGGAACAGGTCGGCCAGGAACTCGTCGTTGAAGGCGGCCGGGTCGATG[T>C]AGGCGCTGATGTCGATGGACGTCTCGTGCTCGCAGATGCCGCCCAGCGGCTCCGGGGCGG-3'
Protein context (NP_004355.2, residues 57-77): EHETSIDISA[Tyr67Cys]IDPAAFNDEF